The following is an entry in ClinVar:

ClinVar aggregate classification (germline): Uncertain significance (1 of 4 stars; one submission).

gnomAD v4.1: 1 of 1,608,718 alleles (0.000062%); highest among the groups gnomAD compares: Non-Finnish European, 0.000085%; no homozygotes.

Submission:

Labcorp Genetics (formerly Invitae), Labcorp
Classification: Uncertain significance. Last evaluated: 2022-11-02. Review status: criteria provided, single submitter. Criteria: Invitae Variant Classification Sherloc (09022015). Collection method: clinical testing. Allele origin: germline.
Comment: This sequence change replaces alanine, which is neutral and non-polar, with serine, which is neutral and polar, at codon 895 of the LARS2 protein (p.Ala895Ser). This variant has not been reported in the literature in individuals affected with LARS2-related conditions. Advanced modeling of protein sequence and biophysical properties (such as structural, functional, and spatial information, amino acid conservation, physicochemical variation, residue mobility, and thermodynamic stability) performed at Invitae indicates that this missense variant is not expected to disrupt LARS2 protein function. In summary, the available evidence is currently insufficient to determine the role of this variant in disease. Therefore, it has been classified as a Variant of Uncertain Significance. This variant is not present in population databases (gnomAD no frequency).

NM_015340.4(LARS2):c.2683G>T (p.Ala895Ser)

Gene: LARS2 (leucyl-tRNA synthetase 2, mitochondrial; plus strand). Cytogenetic location: 3p21.31.
Variant type: single nucleotide variant.
Coding change: c.2683G>T on transcript NM_015340.4 (MANE Select); coding-DNA position 2683, G replaced by T.
Protein change: p.Ala895Ser; replaces alanine 895 with serine.
Molecular consequence: missense variant.
Genome position (GRCh38, 1-based): chr3:45,547,501, G>T. VCF-style: chr3-45547501-G-T. GRCh37 (hg19) VCF-style: chr3-45588993-G-T.
Other names: c.2683G>T, p.Ala895Ser (NM_001368263.1); short protein forms A895S.
Identifiers: ClinVar variation 2807039 (VCV002807039.3), dbSNP rs1288097820, ClinGen allele CA352431371.
Genomic context (GRCh38, chr3:45,547,501, plus strand): 5'-CTGGGTGTCAGGCTTTTGCAAGGACGAAGCATCAAGAAGTCCTTCCTTTCCCCGAGAACT[G>T]CCCTCATCAACTTCCTGGTGCAAGATTGACAGCCAGGAGGCTGCAGCTACCACGAGGGCC-3'
Protein context (NP_056155.1, residues 885-903): IKKSFLSPRT[Ala895Ser]LINFLVQD